The following is an entry in ClinVar:

ClinVar aggregate classification (germline): Benign (1 of 4 stars; one submission).

Allele frequency attached by ClinVar (database versions not stated): 1000 Genomes Project 30x 0.67879; 1000 Genomes Project 0.68670; TOPMed 0.69309; gnomAD 0.70070 and 0.70886.
gnomAD v4.1: 107,976 of 152,174 alleles (71%); highest among the groups gnomAD compares: Middle Eastern, 87%; 40,987 homozygotes.

Submission:

GeneDx
Classification: Benign. Last evaluated: 2018-06-14. Review status: criteria provided, single submitter. Criteria: GeneDx Variant Classification (06012015). Collection method: clinical testing. Allele origin: germline. Affected: yes.
Comment: This variant is considered likely benign or benign based on one or more of the following criteria: it is a conservative change, it occurs at a poorly conserved position in the protein, it is predicted to be benign by multiple in silico algorithms, and/or has population frequency not consistent with disease.

NM_001199397.3(NEK1):c.2885+220C>G

Gene: NEK1 (NIMA related kinase 1; minus strand). Cytogenetic location: 4q33.
Variant type: single nucleotide variant.
Coding change: c.2885+220C>G on transcript NM_001199397.3 (MANE Select); 220 bases into the intron after coding-DNA position 2885, C replaced by G.
Molecular consequence: intron variant.
Genome position (GRCh38, 1-based): chr4:169,433,325, G>C on the plus strand (C>G on the coding strand, the complement: NEK1 is on the minus strand). VCF-style: chr4-169433325-G-C. GRCh37 (hg19) VCF-style: chr4-170354476-G-C.
Other names: c.2402+220C>G (NM_001374421.1); c.2750+220C>G (NM_001374420.1); c.2594+220C>G (NM_001199399.3); c.2753+220C>G (NM_001199398.3); c.2801+220C>G (NM_001374419.1, NM_012224.4); c.2669+220C>G (NM_001199400.3); c.2885+220C>G (NM_001374418.1).
Identifiers: ClinVar variation 667928 (VCV000667928.1), dbSNP rs13151656, ClinGen allele CA11667725.